The following is an entry in ClinVar:

NM_000535.7(PMS2):c.1708A>C (p.Asn570His)

Gene: PMS2 (PMS1 homolog 2, mismatch repair system component; minus strand). Cytogenetic location: 7p22.1.
Variant type: single nucleotide variant.
Coding change: c.1708A>C on transcript NM_000535.7 (MANE Select); coding-DNA position 1708, A replaced by C.
Protein change: p.Asn570His; replaces asparagine 570 with histidine.
Molecular consequence: missense variant. On other transcripts: non-coding transcript variant (1).
Genome position (GRCh38, 1-based): chr7:5,987,057, T>G on the plus strand (A>C on the coding strand, the complement: PMS2 is on the minus strand). VCF-style: chr7-5987057-T-G. GRCh37 (hg19) VCF-style: chr7-6026688-T-G.
Other names: c.1303A>C, p.Asn435His (NM_001322003.2, NM_001322004.2, NM_001322005.2 and 1 more transcripts); c.1552A>C, p.Asn518His (NM_001322006.2); c.1390A>C, p.Asn464His (NM_001322007.2, NM_001322008.2); c.1147A>C, p.Asn383His (NM_001322010.2); c.775A>C, p.Asn259His (NM_001322011.2, NM_001322012.2); c.1135A>C, p.Asn379His (NM_001322013.2); c.1708A>C, p.Asn570His (NM_001322014.2); c.1399A>C, p.Asn467His (NM_001322015.2); short protein forms N464H, N467H, N518H, N570H, N259H, N379H, N383H, N435H.
Identifiers: ClinVar variation 665215 (VCV000665215.16), dbSNP rs115670442, ClinGen allele CA366741113.

ClinVar aggregate classification (germline): Conflicting classifications of pathogenicity. Review status: criteria provided, conflicting classifications (1 of 4 stars). 4 submissions from 4 submitters: Uncertain significance (3); Likely benign (1). Last evaluated 2025-01-28.

Conditions:
Lynch syndrome. Identifiers: Orphanet 144, MedGen C4552100, MONDO:0005835. Disease mechanism: loss of function.
Hereditary cancer-predisposing syndrome. Also called: Tumor predisposition; Hereditary neoplastic syndrome; Neoplastic Syndromes, Hereditary; Hereditary Cancer Syndrome. Identifiers: Orphanet 140162, MedGen C0027672, MeSH D009386, MONDO:0015356.
Hereditary nonpolyposis colorectal neoplasms. Identifiers: MedGen C0009405, MeSH D003123.

gnomAD v4.1: 2 of 1,614,056 alleles (0.00012%); highest among the groups gnomAD compares: African/African-American, 0.0027%; no homozygotes.

Submissions (4):

Color Diagnostics, LLC DBA Color Health
Classification: Likely benign for Hereditary cancer-predisposing syndrome. Last evaluated: 2025-01-28. Review status: criteria provided, single submitter. Criteria: ACMG Guidelines, 2015. Collection method: clinical testing. Allele origin: germline.

Ambry Genetics
Classification: Uncertain significance for Hereditary cancer-predisposing syndrome. Last evaluated: 2024-10-18. Review status: criteria provided, single submitter. Criteria: Ambry Variant Classification Scheme 2023. Collection method: clinical testing. Allele origin: germline.
Comment: The p.N570H variant (also known as c.1708A>C), located in coding exon 11 of the PMS2 gene, results from an A to C substitution at nucleotide position 1708. The asparagine at codon 570 is replaced by histidine, an amino acid with similar properties. This amino acid position is not well conserved in available vertebrate species. In addition, this alteration is predicted to be tolerated by in silico analysis. Since supporting evidence is limited at this time, the clinical significance of this alteration remains unclear.

Labcorp Genetics (formerly Invitae), Labcorp
Classification: Uncertain significance for Hereditary nonpolyposis colorectal neoplasms. Last evaluated: 2023-08-06. Review status: criteria provided, single submitter. Criteria: Invitae Variant Classification Sherloc (09022015). Collection method: clinical testing. Allele origin: germline.
Comment: In summary, the available evidence is currently insufficient to determine the role of this variant in disease. Therefore, it has been classified as a Variant of Uncertain Significance. Advanced modeling of protein sequence and biophysical properties (such as structural, functional, and spatial information, amino acid conservation, physicochemical variation, residue mobility, and thermodynamic stability) performed at Invitae indicates that this missense variant is not expected to disrupt PMS2 protein function. ClinVar contains an entry for this variant (Variation ID: 665215). This variant has not been reported in the literature in individuals affected with PMS2-related conditions. This variant is not present in population databases (gnomAD no frequency). This sequence change replaces asparagine, which is neutral and polar, with histidine, which is basic and polar, at codon 570 of the PMS2 protein (p.Asn570His).

All of Us Research Program, National Institutes of Health
Classification: Uncertain significance for Lynch syndrome. Last evaluated: 2023-04-03. Review status: criteria provided, single submitter. Criteria: ACMG Guidelines, 2015. Collection method: clinical testing. Allele origin: germline. Inheritance: Autosomal dominant inheritance. Observed: 2 variant alleles, 2 heterozygotes.
Comment: This missense variant replaces asparagine with histidine at codon 570 of the PMS2 protein. Computational prediction suggests that this variant may not impact protein structure and function (internally defined REVEL score threshold <= 0.5, PMID: 27666373). To our knowledge, functional studies have not been reported for this variant. This variant has not been reported in individuals affected with PMS2-related disorders in the literature. This variant has not been identified in the general population by the Genome Aggregation Database (gnomAD). The available evidence is insufficient to determine the role of this variant in disease conclusively. Therefore, this variant is classified as a Variant of Uncertain Significance.

This study involves interpretation of variants in research participants for the purpose of population health screening. Participant phenotype was not available at the time of variant classification. Additional details can be found in publication PMID: 35346344, PMCID: PMC8962531